The following is an entry in ClinVar:

ClinVar aggregate classification (germline): Pathogenic. Review status: criteria provided, multiple submitters, no conflicts (2 of 4 stars). 2 submissions from 2 submitters: Pathogenic (2). Last evaluated 2023-11-22.

Conditions:
Autosomal recessive limb-girdle muscular dystrophy type 2A (LGMDR1). Also called: LEYDEN-MOEBIUS MUSCULAR DYSTROPHY; MUSCULAR DYSTROPHY, PELVOFEMORAL; Muscular dystrophy, limb-girdle, type 2A, Amish; Limb-girdle muscular dystrophy, type 2A; Calpainopathy. Identifiers: Orphanet 267, MedGen C1869123, MONDO:0009675, OMIM 253600. Disease mechanism: loss of function.
Muscular dystrophy, limb-girdle, autosomal dominant 4. Also called: MUSCULAR DYSTROPHY, LIMB-GIRDLE, TYPE 1I; Calpain-3-related limb-girdle muscular dystrophy D4. Identifiers: Orphanet 565909, MedGen C4748295, MONDO:0029133, OMIM 618129.

Submissions (2):

Baylor Genetics
Classification: Pathogenic for Muscular dystrophy, limb-girdle, autosomal dominant 4. Last evaluated: 2023-11-22. Review status: criteria provided, single submitter. Criteria: ACMG Guidelines, 2015. Collection method: clinical testing. Allele origin: unknown.

Labcorp Genetics (formerly Invitae), Labcorp
Classification: Pathogenic for Autosomal recessive limb-girdle muscular dystrophy type 2A. Last evaluated: 2023-05-16. Review status: criteria provided, single submitter. Criteria: Invitae Variant Classification Sherloc (09022015). Collection method: clinical testing. Allele origin: germline.
Comment: This premature translational stop signal has been observed in individual(s) with autosomal recessive limb-girdle muscular dystrophy (PMID: 20517216). This variant is present in population databases (rs768100265, gnomAD 0.0009%). This sequence change creates a premature translational stop signal (p.Gly36Valfs*21) in the CAPN3 gene. It is expected to result in an absent or disrupted protein product. Loss-of-function variants in CAPN3 are known to be pathogenic (PMID: 10330340, 15689361). For these reasons, this variant has been classified as Pathogenic. ClinVar contains an entry for this variant (Variation ID: 2137650). This variant is also known as c.106delG.

Literature cited by the submitters: PubMed 20517216 (cited by Labcorp Genetics (formerly Invitae), Labcorp); PubMed 10330340 (cited by Labcorp Genetics (formerly Invitae), Labcorp); PubMed 15689361 (cited by Labcorp Genetics (formerly Invitae), Labcorp).

NM_000070.3(CAPN3):c.107del (p.Gly36fs)

Gene: CAPN3 (calpain 3; plus strand). Cytogenetic location: 15q15.1.
Variant type: Deletion.
Coding change: c.107del on transcript NM_000070.3 (MANE Select); coding-DNA position 107, one base deleted (G; older notation c.107delG).
Protein change: p.Gly36fs; shifts the reading frame from glycine 36.
Molecular consequence: frameshift variant.
Genome position (GRCh38, 1-based): chr15:42,359,912, G deleted; the last of 5 consecutive G bases (chr15:42,359,908-42,359,912); deleting any one gives the same sequence. VCF-style (leftmost placement, unchanged base first): chr15-42359907-TG-T. GRCh37 (hg19) VCF-style: chr15-42652105-TG-T.
Other names: c.107del, p.Gly36fs (NM_024344.2, NM_173087.2); short protein forms G36fs.
Identifiers: ClinVar variation 2137650 (VCV002137650.5), dbSNP rs768100265, ClinGen allele CA7510854.